The following is an entry in ClinVar:

NM_002474.3(MYH11):c.5379G>A (p.Gln1793=)

Genes: NDE1 (nudE neurodevelopment protein 1; plus strand), MYH11 (myosin heavy chain 11; minus strand). Cytogenetic location: 16p13.11.
Variant type: single nucleotide variant.
Coding change: c.5379G>A on transcript NM_002474.3 (MANE Select); coding-DNA position 5379, G replaced by A.
Protein change: p.Gln1793=; no amino-acid change (glutamine 1793 retained).
Molecular consequence: synonymous variant. On other transcripts: intron variant (2).
Genome position (GRCh38, 1-based): chr16:15,717,265, C>T on the plus strand (G>A on the coding strand, the complement: MYH11 is on the minus strand). VCF-style: chr16-15717265-C-T. GRCh37 (hg19) VCF-style: chr16-15811122-C-T.
Other names: p.Q1793Q:CAG>CAA; c.5400G>A, p.Gln1800= (NM_001040113.2, NM_001040114.2); c.5379G>A, p.Gln1793= (NM_022844.3); c.948-6926C>T (NM_001143979.2, NM_017668.3).
Identifiers: ClinVar variation 138352 (VCV000138352.21), dbSNP rs375230260, ClinGen allele CA292322.
Genomic context (GRCh38, chr16:15,717,265, plus strand): 5'-CTTGAACTTGGACTTGACGGCCCCCTCCATCTCGTGGAGCTTGCTCCGGAGCTCCTTGTT[C>T]TGCCGCTCGAGCTGCTGCCGGGCACTCTCATTCTTCTGGGCCGTGCTGCGCTCTGTGGCC-3'
Protein context (NP_002465.1, residues 1783-1803): NESARQQLER[Gln1793=]NKELRSKLHE

ClinVar aggregate classification (germline): Benign/Likely benign. Review status: criteria provided, multiple submitters, no conflicts (2 of 4 stars). 6 submissions from 6 submitters: Benign (1); Likely benign (5). Last evaluated 2026-01-23.

Conditions:
Familial thoracic aortic aneurysm and aortic dissection (TAAD). Also called: Thoracic aortic aneurysms and dissections. Identifiers: Orphanet 91387, MedGen C4707243, MONDO:0019625.
Aortic aneurysm, familial thoracic 4 (AAT4). Also called: AORTIC ANEURYSM/AORTIC DISSECTION AND PATENT DUCTUS ARTERIOSUS. Identifiers: MedGen C1851504, MONDO:0007568, OMIM 132900.

Allele frequency attached by ClinVar (database versions not stated): gnomAD exomes 0.00001; gnomAD 0.00004; TOPMed 0.00004; ESP Exome Variant Server 0.00008.
gnomAD v4.1: 16 of 1,613,960 alleles (0.00099%); highest among the groups gnomAD compares: African/African-American, 0.0013%; no homozygotes.

Submissions (6):

Labcorp Genetics (formerly Invitae), Labcorp
Classification: Likely benign for Aortic aneurysm, familial thoracic 4. Last evaluated: 2026-01-23. Review status: criteria provided, single submitter. Criteria: Invitae Variant Classification Sherloc (09022015). Collection method: clinical testing. Allele origin: germline.

All of Us Research Program, National Institutes of Health
Classification: Likely benign for Familial thoracic aortic aneurysm and aortic dissection. Last evaluated: 2024-02-05. Review status: criteria provided, single submitter. Criteria: ACMG Guidelines, 2015. Collection method: clinical testing. Allele origin: germline. Inheritance: Autosomal dominant inheritance. Observed: 9 variant alleles, 9 heterozygotes.
Comment: This study involves interpretation of variants in research participants for the purpose of population health screening. Participant phenotype was not available at the time of variant classification. Additional details can be found in publication PMID: 35346344, PMCID: PMC8962531

Ambry Genetics
Classification: Likely benign for Familial thoracic aortic aneurysm and aortic dissection. Last evaluated: 2022-01-06. Review status: criteria provided, single submitter. Criteria: Ambry Variant Classification Scheme 2023. Collection method: clinical testing. Allele origin: germline.

ARUP Laboratories, Molecular Genetics and Genomics, ARUP Laboratories
Classification: Likely benign. Last evaluated: 2021-07-23. Review status: criteria provided, single submitter. Criteria: ARUP Molecular Germline Variant Investigation Process 2021. Collection method: clinical testing. Allele origin: germline.

Color Diagnostics, LLC DBA Color Health
Classification: Likely benign for Familial thoracic aortic aneurysm and aortic dissection. Last evaluated: 2018-11-21. Review status: criteria provided, single submitter. Criteria: ACMG Guidelines, 2015. Collection method: clinical testing. Allele origin: germline.

GeneDx
Classification: Benign. Last evaluated: 2014-03-31. Review status: criteria provided, single submitter. Criteria: GeneDx Variant Classification (06012015). Collection method: clinical testing. Allele origin: germline. Affected: yes.
Comment: This variant is considered likely benign or benign based on one or more of the following criteria: it is a conservative change, it occurs at a poorly conserved position in the protein, it is predicted to be benign by multiple in silico algorithms, and/or has population frequency not consistent with disease.